The following is an entry in ClinVar:

NM_000236.3(LIPC):c.559A>T (p.Ile187Phe)

Gene: LIPC (lipase C, hepatic type; plus strand). Cytogenetic location: 15q21.3.
Variant type: single nucleotide variant.
Coding change: c.559A>T on transcript NM_000236.3 (MANE Select); coding-DNA position 559, A replaced by T.
Protein change: p.Ile187Phe; replaces isoleucine 187 with phenylalanine.
Molecular consequence: missense variant.
Genome position (GRCh38, 1-based): chr15:58,542,636, A>T. VCF-style: chr15-58542636-A-T. GRCh37 (hg19) VCF-style: chr15-58834835-A-T.
Other names: c.559A>T (NM_000236.2); short protein forms I187F.
Identifiers: ClinVar variation 1963560 (VCV001963560.6), dbSNP rs1893371477, ClinGen allele CA392611637.

ClinVar aggregate classification (germline): Uncertain significance. Review status: criteria provided, multiple submitters, no conflicts (2 of 4 stars). 2 submissions from 2 submitters: Uncertain significance (2). Last evaluated 2025-01-08.

gnomAD v4.1: 2 of 1,611,772 alleles (0.00012%); highest among the groups gnomAD compares: Non-Finnish European, 0.00017%; no homozygotes.

Submissions (2):

Ambry Genetics
Classification: Uncertain significance. Last evaluated: 2025-01-08. Review status: criteria provided, single submitter. Criteria: Ambry Variant Classification Scheme 2023. Collection method: clinical testing. Allele origin: germline.

Labcorp Genetics (formerly Invitae), Labcorp
Classification: Uncertain significance. Last evaluated: 2022-05-21. Review status: criteria provided, single submitter. Criteria: Invitae Variant Classification Sherloc (09022015). Collection method: clinical testing. Allele origin: germline.
Comment: In summary, the available evidence is currently insufficient to determine the role of this variant in disease. Therefore, it has been classified as a Variant of Uncertain Significance. Algorithms developed to predict the effect of missense changes on protein structure and function are either unavailable or do not agree on the potential impact of this missense change (SIFT: "Deleterious"; PolyPhen-2: "Probably Damaging"; Align-GVGD: "Class C0"). This variant has not been reported in the literature in individuals affected with LIPC-related conditions. This variant is not present in population databases (gnomAD no frequency). This sequence change replaces isoleucine, which is neutral and non-polar, with phenylalanine, which is neutral and non-polar, at codon 187 of the LIPC protein (p.Ile187Phe).